The following is an entry in ClinVar:

ClinVar aggregate classification (germline): Conflicting classifications of pathogenicity. Review status: criteria provided, conflicting classifications (1 of 4 stars). 3 submissions from 3 submitters: Likely pathogenic (1); Uncertain significance (1). 1 of the submissions does not count toward it. Last evaluated 2022-08-10.

Conditions:
Congenital microcephaly - severe encephalopathy - progressive cerebral atrophy syndrome. Also called: ASNS DEFICIENCY; Asparagine synthetase deficiency. Identifiers: Orphanet 391376, MedGen C3809971, MONDO:0014258, OMIM 615574.

Allele frequency attached by ClinVar (database versions not stated): gnomAD exomes below 0.00001 and 0.00005; ExAC 0.00001; gnomAD 0.00002 and 0.00003; TOPMed 0.00002; 1000 Genomes Project 30x 0.00016; 1000 Genomes Project 0.00020.
gnomAD v4.1: 70 of 1,613,920 alleles (0.0043%); highest among the groups gnomAD compares: Non-Finnish European, 0.0058%; no homozygotes.

Submissions (3):

Labcorp Genetics (formerly Invitae), Labcorp
Classification: Uncertain significance. Last evaluated: 2022-08-10. Review status: criteria provided, single submitter. Criteria: Invitae Variant Classification Sherloc (09022015). Collection method: clinical testing. Allele origin: germline.
Comment: This sequence change replaces valine, which is neutral and non-polar, with alanine, which is neutral and non-polar, at codon 243 of the ASNS protein (p.Val243Ala). The frequency data for this variant in the population databases is considered unreliable, as metrics indicate poor data quality at this position in the gnomAD database. This missense change has been observed in individual(s) with asparagine synthetase deficiency (PMID: 29375865). ClinVar contains an entry for this variant (Variation ID: 377002). Advanced modeling of protein sequence and biophysical properties (such as structural, functional, and spatial information, amino acid conservation, physicochemical variation, residue mobility, and thermodynamic stability) performed at Invitae indicates that this missense variant is expected to disrupt ASNS protein function. In summary, the available evidence is currently insufficient to determine the role of this variant in disease. Therefore, it has been classified as a Variant of Uncertain Significance.

Center for Pediatric Genomic Medicine, Children's Mercy Hospital and Clinics
Classification: Likely pathogenic. Last evaluated: 2016-10-14. Review status: criteria provided, single submitter. Criteria: ACMG Guidelines, 2015. Collection method: clinical testing. Allele origin: germline.

OMIM
Classification: Pathogenic for ASPARAGINE SYNTHETASE DEFICIENCY. Last evaluated: 2019-07-17. Review status: no assertion criteria provided. Collection method: literature only. Allele origin: germline. Not counted in ClinVar's aggregate classification.

Literature cited by the submitters: PubMed 29375865 (cited by Labcorp Genetics (formerly Invitae), Labcorp and OMIM).

NM_001673.5(ASNS):c.728T>C (p.Val243Ala)

Genes: CZ1P-ASNS (CZ1P-ASNS readthrough; minus strand), ASNS (asparagine synthetase (glutamine-hydrolyzing); minus strand). Cytogenetic location: 7q21.3.
Variant type: single nucleotide variant.
Coding change: c.728T>C on transcript NM_001673.5 (MANE Select); coding-DNA position 728, T replaced by C.
Protein change: p.Val243Ala; replaces valine 243 with alanine.
Molecular consequence: missense variant. On other transcripts: non-coding transcript variant (1).
Genome position (GRCh38, 1-based): chr7:97,858,901, A>G on the plus strand (T>C on the coding strand, the complement: ASNS is on the minus strand). VCF-style: chr7-97858901-A-G. GRCh37 (hg19) VCF-style: chr7-97488213-A-G.
Other names: c.665T>C, p.Val222Ala (NM_001178075.2); c.479T>C, p.Val160Ala (NM_001178076.2, NM_001178077.1); c.728T>C, p.Val243Ala (NM_001352496.2, NM_133436.3, NM_183356.4); short protein forms V243A, V160A, V222A.
Identifiers: ClinVar variation 377002 (VCV000377002.4), dbSNP rs148111963, ClinGen allele CA4354708.
Genomic context (GRCh38, chr7:97,858,901, plus strand): 5'-TAATTGACTTCACCTGATAAAAGGCAGCCAATCCTTCTGTCTGTCATCAAACGTTTCTTT[A>G]CAGCATTATTAAAAAGGATCCTGAGGTTGTTCTTCACAGTTTCTATCTCAAAACCTATAA-3'
Protein context (NP_001664.3, residues 233-253): NNLRILFNNA[Val243Ala]KKRLMTDRRI